The following is an entry in ClinVar:

ClinVar aggregate classification (germline): Uncertain significance (1 of 4 stars; one submission).

gnomAD v4.1: 1 of 1,549,382 alleles (0.000065%); no homozygotes.

Submission:

Dasa
Classification: Uncertain significance. Last evaluated: 2026-04-15. Review status: criteria provided, single submitter. Criteria: DASA Assertion Criteria. Collection method: clinical testing. Allele origin: germline.
Comment: NM_001127208.3(TET2):c.3989C>T (p.Ser1330Phe) is a missense variant that results in the substitution of serine with phenylalanine. This variant is rare in population databases. The currently available literature and clinical evidence are not sufficient to establish a definitive association between this variant and the reported condition. Therefore, this variant is classified as a variant of uncertain significance.

NM_001127208.3(TET2):c.3989C>T (p.Ser1330Phe)

Genes: TET2 (tet methylcytosine dioxygenase 2; plus strand), TET2-AS1 (TET2 antisense RNA 1; minus strand). Cytogenetic location: 4q24.
Variant type: single nucleotide variant.
Coding change: c.3989C>T on transcript NM_001127208.3 (MANE Select); coding-DNA position 3989, C replaced by T.
Protein change: p.Ser1330Phe; replaces serine 1330 with phenylalanine.
Molecular consequence: missense variant.
Genome position (GRCh38, 1-based): chr4:105,261,793, C>T. VCF-style: chr4-105261793-C-T. GRCh37 (hg19) VCF-style: chr4-106182950-C-T.
Other names: short protein forms S1330F.
Identifiers: ClinVar variation 4886684 (VCV004886684.2).
Genomic context (GRCh38, chr4:105,261,793, plus strand): 5'-TATGTAGAATTATTCACTTTATACAGGAAGAGAAACTGGAGTCTCATTTGCAAAACCTGT[C>T]CACTCTTATGGCACCAACATATAAGAAACTTGCACCTGATGCATATAATAATCAGGTAAG-3'
Protein context (NP_001120680.1, residues 1320-1340): EKLESHLQNL[Ser1330Phe]TLMAPTYKKL